The following is an entry in ClinVar:

ClinVar aggregate classification (germline): Likely benign. Review status: criteria provided, multiple submitters, no conflicts (2 of 4 stars). 4 submissions from 4 submitters: Likely benign (3). 1 of the submissions does not count toward it. Last evaluated 2025-03-31.

Conditions:
BBS1-related disorder. Also called: BBS1-related condition.
Bardet-Biedl syndrome (BBS). Identifiers: Orphanet 110, MedGen C0752166, MONDO:0015229.

Allele frequency attached by ClinVar (database versions not stated): ExAC 0.00001; gnomAD 0.00008 and 0.00009; ESP Exome Variant Server 0.00023; gnomAD exomes 0.00002 and 0.00001; TOPMed 0.00008.
gnomAD v4.1: 25 of 1,609,408 alleles (0.0016%); highest among the groups gnomAD compares: African/African-American, 0.028%; no homozygotes.

Submissions (4):

Labcorp Genetics (formerly Invitae), Labcorp
Classification: Likely benign for Bardet-Biedl syndrome. Last evaluated: 2025-03-31. Review status: criteria provided, single submitter. Criteria: Invitae Variant Classification Sherloc (09022015). Collection method: clinical testing. Allele origin: germline.

Women's Health and Genetics/Laboratory Corporation of America, LabCorp
Classification: Likely benign. Last evaluated: 2024-12-06. Review status: criteria provided, single submitter. Criteria: LabCorp Variant Classification Summary - May 2015. Collection method: clinical testing. Allele origin: germline.

Blueprint Genetics
Classification: Likely benign. Last evaluated: 2024-07-06. Review status: criteria provided, single submitter. Criteria: ACMG Guidelines, 2015. Collection method: clinical testing. Allele origin: germline.

PreventionGenetics, part of Exact Sciences
Classification: Likely benign for BBS1-related condition. Last evaluated: 2020-04-03. Review status: no assertion criteria provided. Collection method: clinical testing. Allele origin: germline. Not counted in ClinVar's aggregate classification.
Comment: This variant is classified as likely benign based on ACMG/AMP sequence variant interpretation guidelines (Richards et al. 2015 PMID: 25741868, with internal and published modifications).

NM_024649.5(BBS1):c.1404G>A (p.Leu468=)

Genes: BBS1 (Bardet-Biedl syndrome 1; plus strand), ZDHHC24 (zDHHC palmitoyltransferase 24; minus strand). Cytogenetic location: 11q13.2.
Variant type: single nucleotide variant.
Coding change: c.1404G>A on transcript NM_024649.5 (MANE Select); coding-DNA position 1404, G replaced by A.
Protein change: p.Leu468=; no amino-acid change (leucine 468 retained).
Molecular consequence: synonymous variant. On other transcripts: intron variant (1).
Genome position (GRCh38, 1-based): chr11:66,529,883, G>A. VCF-style: chr11-66529883-G-A. GRCh37 (hg19) VCF-style: chr11-66297354-G-A.
Other names: c.560-395C>T (NM_001348571.2).
Identifiers: ClinVar variation 1094965 (VCV001094965.11), dbSNP rs140013934, ClinGen allele CA6123756.